The following is an entry in ClinVar:

NM_001160372.4(TRAPPC9):c.1524G>C (p.Glu508Asp)

Gene: TRAPPC9 (trafficking protein particle complex subunit 9; minus strand). Cytogenetic location: 8q24.3.
Variant type: single nucleotide variant.
Coding change: c.1524G>C on transcript NM_001160372.4 (MANE Select); coding-DNA position 1524, G replaced by C.
Protein change: p.Glu508Asp; replaces glutamic acid 508 with aspartic acid.
Molecular consequence: missense variant. On other transcripts: non-coding transcript variant (1).
Genome position (GRCh38, 1-based): chr8:140,311,346, C>G on the plus strand (G>C on the coding strand, the complement: TRAPPC9 is on the minus strand). VCF-style: chr8-140311346-C-G. GRCh37 (hg19) VCF-style: chr8-141321445-C-G.
Other names: c.1497G>C, p.Glu499Asp (NM_001321646.2); c.1545G>C, p.Glu515Asp (NM_001374682.1); c.1524G>C, p.Glu508Asp (NM_001374683.1, NM_031466.8); c.1380G>C, p.Glu460Asp (NM_001374684.1); c.1818G>C (NM_031466.5); short protein forms E460D, E499D, E508D, E515D.
Identifiers: ClinVar variation 1336117 (VCV001336117.7), dbSNP rs754444715, ClinGen allele CA4893421.

ClinVar aggregate classification (germline): Uncertain significance. Review status: criteria provided, multiple submitters, no conflicts (2 of 4 stars). 3 submissions from 3 submitters: Uncertain significance (3). Last evaluated 2025-03-03.

Conditions:
Inborn genetic diseases. Identifiers: MedGen C0950123, MeSH D030342.

Allele frequency attached by ClinVar (database versions not stated): gnomAD 0.00001 and 0.00003; TOPMed 0.00001; gnomAD exomes 0.00004; ExAC 0.00005.
gnomAD v4.1: 35 of 1,613,874 alleles (0.0022%); highest among the groups gnomAD compares: South Asian, 0.025%; 1 homozygote.

Submissions (3):

Labcorp Genetics (formerly Invitae), Labcorp
Classification: Uncertain significance. Last evaluated: 2025-03-03. Review status: criteria provided, single submitter. Criteria: Invitae Variant Classification Sherloc (09022015). Collection method: clinical testing. Allele origin: germline.
Comment: This sequence change replaces glutamic acid, which is acidic and polar, with aspartic acid, which is acidic and polar, at codon 606 of the TRAPPC9 protein (p.Glu606Asp). This variant is present in population databases (rs754444715, gnomAD 0.02%). This variant has not been reported in the literature in individuals affected with TRAPPC9-related conditions. ClinVar contains an entry for this variant (Variation ID: 1336117). An algorithm developed to predict the effect of missense changes on protein structure and function (PolyPhen-2) suggests that this variant is likely to be disruptive. In summary, the available evidence is currently insufficient to determine the role of this variant in disease. Therefore, it has been classified as a Variant of Uncertain Significance.

Ambry Genetics
Classification: Uncertain significance for Inborn genetic diseases. Last evaluated: 2022-06-28. Review status: criteria provided, single submitter. Criteria: Ambry Variant Classification Scheme 2023. Collection method: clinical testing. Allele origin: germline.

Genetic Services Laboratory, University of Chicago
Classification: Uncertain significance. Last evaluated: 2017-07-12. Review status: criteria provided, single submitter. Criteria: ACMG Guidelines, 2015. Collection method: clinical testing. Allele origin: germline. Affected: no.